The following is an entry in ClinVar:

ClinVar aggregate classification (germline): Uncertain significance (1 of 4 stars; one submission).

Conditions:
Tatton-Brown-Rahman overgrowth syndrome. Also called: Tall stature-intellectual disability-facial dysmorphism syndrome; Tatton-Brown-Rahman syndrome. Identifiers: Orphanet 404443, MedGen C4014545, MONDO:0014382, OMIM 615879.

gnomAD v4.1: 3 of 1,614,000 alleles (0.00019%); highest among the groups gnomAD compares: Non-Finnish European, 0.00025%; no homozygotes.

Submission:

Labcorp Genetics (formerly Invitae), Labcorp
Classification: Uncertain significance for Tatton-Brown-Rahman overgrowth syndrome. Last evaluated: 2022-05-04. Review status: criteria provided, single submitter. Criteria: Invitae Variant Classification Sherloc (09022015). Collection method: clinical testing. Allele origin: germline.
Comment: This sequence change replaces arginine, which is basic and polar, with serine, which is neutral and polar, at codon 749 of the DNMT3A protein (p.Arg749Ser). In summary, the available evidence is currently insufficient to determine the role of this variant in disease. Therefore, it has been classified as a Variant of Uncertain Significance. This variant disrupts the p.Arg749 amino acid residue in DNMT3A. Other variant(s) that disrupt this residue have been determined to be pathogenic (PMID: 24614070, 29900417). This suggests that this residue is clinically significant, and that variants that disrupt this residue are likely to be disease-causing. Algorithms developed to predict the effect of missense changes on protein structure and function are either unavailable or do not agree on the potential impact of this missense change (SIFT: "Deleterious"; PolyPhen-2: "Probably Damaging"; Align-GVGD: "Class C0"). This variant has not been reported in the literature in individuals affected with DNMT3A-related conditions. This variant is not present in population databases (gnomAD no frequency).

Literature cited by the submitters: PubMed 24614070; PubMed 29900417.

NM_022552.5(DNMT3A):c.2245C>A (p.Arg749Ser)

Gene: DNMT3A (DNA methyltransferase 3 alpha; minus strand). Cytogenetic location: 2p23.3.
Variant type: single nucleotide variant.
Coding change: c.2245C>A on transcript NM_022552.5 (MANE Select); coding-DNA position 2245, C replaced by A.
Protein change: p.Arg749Ser; replaces arginine 749 with serine.
Molecular consequence: missense variant. On other transcripts: non-coding transcript variant (1).
Genome position (GRCh38, 1-based): chr2:25,240,379, G>T on the plus strand (C>A on the coding strand, the complement: DNMT3A is on the minus strand). VCF-style: chr2-25240379-G-T. GRCh37 (hg19) VCF-style: chr2-25463248-G-T.
Other names: c.1789C>A, p.Arg597Ser (NM_001320893.1); c.1576C>A, p.Arg526Ser (NM_001375819.1); c.1678C>A, p.Arg560Ser (NM_153759.3); c.2245C>A, p.Arg749Ser (NM_175629.2); short protein forms R526S, R560S, R597S, R749S.
Identifiers: ClinVar variation 2422011 (VCV002422011.7), dbSNP rs754613602, ClinGen allele CA346069992.